The following is an entry in ClinVar:

NM_015488.5(PNKD):c.809C>T (p.Thr270Ile)

Genes: CATIP-AS2 (CATIP antisense RNA 2; minus strand), PNKD (PNKD metallo-beta-lactamase domain containing; plus strand). Cytogenetic location: 2q35.
Variant type: single nucleotide variant.
Coding change: c.809C>T on transcript NM_015488.5 (MANE Select); coding-DNA position 809, C replaced by T.
Protein change: p.Thr270Ile; replaces threonine 270 with isoleucine.
Molecular consequence: missense variant.
Genome position (GRCh38, 1-based): chr2:218,343,527, C>T. VCF-style: chr2-218343527-C-T. GRCh37 (hg19) VCF-style: chr2-219208250-C-T.
Other names: c.737C>T, p.Thr246Ile (NM_022572.5); short protein forms T246I, T270I.
Identifiers: ClinVar variation 3649663 (VCV003649663.2).

ClinVar aggregate classification (germline): Uncertain significance (1 of 4 stars; one submission).

Conditions:
Paroxysmal nonkinesigenic dyskinesia. Also called: Paroxysmal non-kinesigenic dyskinesia. Identifiers: Orphanet 98810, MedGen C1869117, MONDO:0700088.

gnomAD v4.1: 12 of 1,613,674 alleles (0.00074%); highest among the groups gnomAD compares: Non-Finnish European, 0.001%; no homozygotes.

Submission:

Labcorp Genetics (formerly Invitae), Labcorp
Classification: Uncertain significance for Paroxysmal nonkinesigenic dyskinesia. Last evaluated: 2024-04-12. Review status: criteria provided, single submitter. Criteria: Invitae Variant Classification Sherloc (09022015). Collection method: clinical testing. Allele origin: germline.
Comment: This sequence change replaces threonine, which is neutral and polar, with isoleucine, which is neutral and non-polar, at codon 270 of the PNKD protein (p.Thr270Ile). This variant is present in population databases (no rsID available, gnomAD 0.0009%). This variant has not been reported in the literature in individuals affected with PNKD-related conditions. Advanced modeling of protein sequence and biophysical properties (such as structural, functional, and spatial information, amino acid conservation, physicochemical variation, residue mobility, and thermodynamic stability) has been performed at Invitae for this missense variant, however the output from this modeling did not meet the statistical confidence thresholds required to predict the impact of this variant on PNKD protein function. In summary, the available evidence is currently insufficient to determine the role of this variant in disease. Therefore, it has been classified as a Variant of Uncertain Significance.